The following is an entry in ClinVar:

ClinVar aggregate classification (germline): Uncertain significance. Review status: criteria provided, multiple submitters, no conflicts (2 of 4 stars). 2 submissions from 2 submitters: Uncertain significance (2). Last evaluated 2024-07-07.

Conditions:
Cardiovascular phenotype. Identifiers: MedGen CN230736.

Allele frequency attached by ClinVar (database versions not stated): ExAC 0.00004; TOPMed 0.00013; 1000 Genomes Project 30x 0.00016.
gnomAD v4.1: 39 of 1,593,992 alleles (0.0024%); highest among the groups gnomAD compares: African/African-American, 0.046%; no homozygotes.

Submissions (2):

Ambry Genetics
Classification: Uncertain significance for Cardiovascular phenotype. Last evaluated: 2024-07-07. Review status: criteria provided, single submitter. Criteria: Ambry Variant Classification Scheme 2023. Collection method: clinical testing. Allele origin: germline.
Comment: The p.Q119P variant (also known as c.356A>C), located in coding exon 3 of the APOE gene, results from an A to C substitution at nucleotide position 356. The glutamine at codon 119 is replaced by proline, an amino acid with similar properties. This amino acid position is conserved. In addition, the in silico prediction for this alteration is inconclusive. Since supporting evidence is limited at this time, the clinical significance of this alteration remains unclear.

GeneDx
Classification: Uncertain significance. Last evaluated: 2022-04-12. Review status: criteria provided, single submitter. Criteria: GeneDx Variant Classification Process June 2021. Collection method: clinical testing. Allele origin: germline. Affected: yes.
Comment: Has not been previously published as pathogenic or benign to our knowledge; In silico analysis supports that this missense variant does not alter protein structure/function

NM_000041.4(APOE):c.356A>C (p.Gln119Pro)

Gene: APOE (apolipoprotein E; plus strand). Cytogenetic location: 19q13.32.
Variant type: single nucleotide variant.
Coding change: c.356A>C on transcript NM_000041.4 (MANE Select); coding-DNA position 356, A replaced by C.
Protein change: p.Gln119Pro; replaces glutamine 119 with proline.
Molecular consequence: missense variant.
Genome position (GRCh38, 1-based): chr19:44,908,652, A>C. VCF-style: chr19-44908652-A-C. GRCh37 (hg19) VCF-style: chr19-45411909-A-C.
Other names: c.434A>C, p.Gln145Pro (NM_001302688.2); c.356A>C, p.Gln119Pro (NM_001302689.2, NM_001302690.2, NM_001302691.2); short protein forms Q119P, Q145P.
Identifiers: ClinVar variation 1710568 (VCV001710568.5), dbSNP rs777291619, ClinGen allele CA9506048.